The following is an entry in ClinVar:

NM_000059.4(BRCA2):c.4470dup (p.Leu1491fs)

Gene: BRCA2 (BRCA2 DNA repair associated; plus strand). Cytogenetic location: 13q13.1.
Variant type: Duplication.
Coding change: c.4470dup on transcript NM_000059.4 (MANE Select); coding-DNA position 4470, one base duplicated (A; older notation c.4470dupA).
Protein change: p.Leu1491fs; shifts the reading frame from leucine 1491.
Molecular consequence: frameshift variant.
Genome position (GRCh38, 1-based): chr13:32,338,825, A duplicated. VCF-style (leftmost placement, unchanged base first): chr13-32338824-T-TA. GRCh37 (hg19) VCF-style: chr13-32912961-T-TA.
Other names: 4698insA; c.4470dupA (NM_000059.3); short protein forms L1491fs.
Identifiers: ClinVar variation 37905 (VCV000037905.25), dbSNP rs397507334, ClinGen allele CA020221.

ClinVar aggregate classification (germline): Pathogenic. Review status: reviewed by expert panel (3 of 4 stars). 9 submissions from 9 submitters: Pathogenic (1). 8 of the submissions do not count toward it. Last evaluated 2016-09-08.

Conditions:
Hereditary cancer-predisposing syndrome. Also called: Tumor predisposition; Neoplastic Syndromes, Hereditary; Hereditary neoplastic syndrome; Hereditary Cancer Syndrome. Identifiers: Orphanet 140162, MedGen C0027672, MeSH D009386, MONDO:0015356.
Hereditary breast ovarian cancer syndrome. Also called: Hereditary breast and ovarian cancer; Hereditary breast and ovarian cancer syndrome (HBOC); Hereditary breast and/or ovarian cancer syndrome; Breast and ovarian cancer; Hereditary breast and ovarian cancer syndrome; BRCA1- and BRCA2-Associated Hereditary Breast and Ovarian Cancer. Identifiers: Orphanet 145, MedGen C0677776, MeSH D061325, MONDO:0003582. Disease mechanism: loss of function.
Breast-ovarian cancer, familial, susceptibility to, 2 (BROVCA2). Also called: BRCA2 Hereditary Breast and Ovarian Cancer. Identifiers: Orphanet 145, MedGen C2675520, MONDO:0012933, OMIM 612555. Disease mechanism: loss of function.
Familial cancer of breast. Also called: Hereditary breast cancer; BREAST CANCER, FAMILIAL; hereditary breast carcinoma. Identifiers: Orphanet 227535, MedGen C0346153, MONDO:0016419, OMIM 114480. Disease mechanism: loss of function.

Submissions (9):

Evidence-based Network for the Interpretation of Germline Mutant Alleles (ENIGMA)
Classification: Pathogenic for Breast-ovarian cancer, familial, susceptibility to, 2. Last evaluated: 2016-09-08. Review status: reviewed by expert panel. Criteria: ENIGMA BRCA1/2 Classification Criteria (2015). Collection method: curation. Allele origin: germline.
Comment: Variant allele predicted to encode a truncated non-functional protein.

Labcorp Genetics (formerly Invitae), Labcorp
Classification: Pathogenic for Hereditary breast ovarian cancer syndrome. Last evaluated: 2025-08-20. Review status: criteria provided, single submitter. Criteria: Invitae Variant Classification Sherloc (09022015). Collection method: clinical testing. Allele origin: germline. Not counted in ClinVar's aggregate classification.
Comment: This sequence change creates a premature translational stop signal (p.Leu1491Thrfs*23) in the BRCA2 gene. It is expected to result in an absent or disrupted protein product. Loss-of-function variants in BRCA2 are known to be pathogenic (PMID: 20104584). This variant is not present in population databases (gnomAD no frequency). This premature translational stop signal has been observed in individual(s) with BRCA2-related conditions (PMID: 21520333). ClinVar contains an entry for this variant (Variation ID: 37905). For these reasons, this variant has been classified as Pathogenic.

Ambry Genetics
Classification: Pathogenic for Hereditary cancer-predisposing syndrome. Last evaluated: 2025-05-23. Review status: criteria provided, single submitter. Criteria: Ambry Variant Classification Scheme 2023. Collection method: clinical testing. Allele origin: germline. Not counted in ClinVar's aggregate classification.
Comment: The c.4470dupA pathogenic mutation, located in coding exon 10 of the BRCA2 gene, results from a duplication of A at nucleotide position 4470, causing a translational frameshift with a predicted alternate stop codon (p.L1491Tfs*23). This variant is considered to be rare based on population cohorts in the Genome Aggregation Database (gnomAD). This alteration is expected to result in loss of function by premature protein truncation or nonsense-mediated mRNA decay. As such, this alteration is interpreted as a disease-causing mutation.

Color Diagnostics, LLC DBA Color Health
Classification: Pathogenic for Hereditary cancer-predisposing syndrome. Last evaluated: 2025-04-23. Review status: criteria provided, single submitter. Criteria: ACMG Guidelines, 2015. Collection method: clinical testing. Allele origin: germline. Not counted in ClinVar's aggregate classification.
Comment: This variant inserts 1 nucleotide in exon 11 of the BRCA2 gene, creating a frameshift and premature translation stop signal. This variant is expected to result in an absent or non-functional protein product. To our knowledge, this variant has not been reported in individuals affected with BRCA2-related disorders in the literature. This variant has not been identified in the general population by the Genome Aggregation Database (gnomAD). Loss of BRCA2 function is a known mechanism of disease. Based on the available evidence, this variant is classified as Pathogenic.

Women's Health and Genetics/Laboratory Corporation of America, LabCorp
Classification: Pathogenic for Hereditary breast ovarian cancer syndrome. Last evaluated: 2023-01-03. Review status: criteria provided, single submitter. Criteria: LabCorp Variant Classification Summary - May 2015. Collection method: clinical testing. Allele origin: germline. Not counted in ClinVar's aggregate classification.
Comment: Variant summary: BRCA2 c.4470dupA (p.Leu1491ThrfsX23) results in a premature termination codon, predicted to cause a truncation of the encoded protein or absence of the protein due to nonsense mediated decay, which are commonly known mechanisms for disease. Truncations downstream of this position have been classified as pathogenic by our laboratory. The variant was absent in 250468 control chromosomes. c.4470dupA has been reported in the literature in individuals affected with Hereditary Breast And Ovarian Cancer Syndrome (e.g., Kim_2017) as well as individuals affected with prostate cancer (e.g., Robinson_2017, Wu_2018). To our knowledge, no experimental evidence demonstrating an impact on protein function has been reported. Five clinical diagnostic laboratories have submitted clinical-significance assessments for this variant to ClinVar after 2014, and all laboratories classified the variant as pathogenic. Based on the evidence outlined above, the variant was classified as pathogenic.

Baylor Genetics
Classification: Likely pathogenic for Familial cancer of breast. Last evaluated: 2022-09-22. Review status: criteria provided, single submitter. Criteria: ACMG Guidelines, 2015. Collection method: clinical testing. Allele origin: unknown. Not counted in ClinVar's aggregate classification.

Quest Diagnostics Nichols Institute San Juan Capistrano
Classification: Pathogenic. Last evaluated: 2018-02-09. Review status: criteria provided, single submitter. Criteria: Quest Diagnostics criteria. Collection method: clinical testing. Allele origin: germline. Not counted in ClinVar's aggregate classification.

GeneDx
Classification: Pathogenic. Last evaluated: 2017-09-06. Review status: criteria provided, single submitter. Criteria: GeneDx Variant Classification (06012015). Collection method: clinical testing. Allele origin: germline. Affected: yes. Not counted in ClinVar's aggregate classification.
Comment: This duplication of one nucleotide in BRCA2 is denoted c.4470dupA at the cDNA level and p.Leu1491ThrfsX23 (L1491TfsX23) at the protein level. The normal sequence, with the bases that are duplicated in brackets, is AAAT[A]CTGA. The duplication causes a frameshift, which changes a Leucine to a Threonine at codon 1491, and creates a premature stop codon at position 23 of the new reading frame. Although this variant has not, to our knowledge, been reported in the literature, it is predicted to cause loss of normal protein function through either protein truncation or nonsense-mediated mRNA decay. we consider this variant to be pathogenic.

Sharing Clinical Reports Project (SCRP)
Classification: Pathogenic for Breast-ovarian cancer, familial 2. Last evaluated: 2012-06-11. Review status: no assertion criteria provided. Collection method: clinical testing. Allele origin: germline. Not counted in ClinVar's aggregate classification.

Literature cited by the submitters: PubMed 20104584 (cited by Labcorp Genetics (formerly Invitae), Labcorp); PubMed 21520333 (cited by Labcorp Genetics (formerly Invitae), Labcorp); PubMed 28351343 (cited by Women's Health and Genetics/Laboratory Corporation of America, LabCorp); PubMed 28783718 (cited by Women's Health and Genetics/Laboratory Corporation of America, LabCorp); PubMed 29906450 (cited by Women's Health and Genetics/Laboratory Corporation of America, LabCorp).